The following is an entry in ClinVar:

NM_000059.4(BRCA2):c.6305T>G (p.Val2102Gly)

Gene: BRCA2 (BRCA2 DNA repair associated; plus strand). Cytogenetic location: 13q13.1.
Variant type: single nucleotide variant.
Coding change: c.6305T>G on transcript NM_000059.4 (MANE Select); coding-DNA position 6305, T replaced by G.
Protein change: p.Val2102Gly; replaces valine 2102 with glycine.
Molecular consequence: missense variant.
Genome position (GRCh38, 1-based): chr13:32,340,660, T>G. VCF-style: chr13-32340660-T-G. GRCh37 (hg19) VCF-style: chr13-32914797-T-G.
Other names: short protein forms V2102G.
Identifiers: ClinVar variation 1434123 (VCV001434123.9), dbSNP rs2137526201, ClinGen allele CA387789038.

ClinVar aggregate classification (germline): Conflicting classifications of pathogenicity. Review status: criteria provided, conflicting classifications (1 of 4 stars). 2 submissions from 2 submitters: Uncertain significance (1); Likely benign (1). Last evaluated 2023-03-23.

Conditions:
Hereditary cancer-predisposing syndrome. Also called: Hereditary Cancer Syndrome; Hereditary neoplastic syndrome; Neoplastic Syndromes, Hereditary; Tumor predisposition. Identifiers: Orphanet 140162, MedGen C0027672, MeSH D009386, MONDO:0015356.
Hereditary breast ovarian cancer syndrome. Also called: Hereditary breast and ovarian cancer syndrome (HBOC); Breast and ovarian cancer; BRCA1- and BRCA2-Associated Hereditary Breast and Ovarian Cancer; Hereditary breast and/or ovarian cancer syndrome; Hereditary breast and ovarian cancer; Hereditary breast and ovarian cancer syndrome. Identifiers: Orphanet 145, MedGen C0677776, MeSH D061325, MONDO:0003582. Disease mechanism: loss of function.

Submissions (2):

University of Washington Department of Laboratory Medicine, University of Washington
Classification: Likely benign for Hereditary cancer-predisposing syndrome. Last evaluated: 2023-03-23. Review status: criteria provided, single submitter. Criteria: Dines et al. (Genet Med. 2020). Collection method: curation. Allele origin: germline.
Comment: Missense variant in a coldspot region where missense variants are very unlikely to be pathogenic (PMID:31911673).

BRCA2 exon 11 coldspot. Reclassification based on statistical prior probability.

Labcorp Genetics (formerly Invitae), Labcorp
Classification: Uncertain significance for Hereditary breast ovarian cancer syndrome. Last evaluated: 2021-03-01. Review status: criteria provided, single submitter. Criteria: Invitae Variant Classification Sherloc (09022015). Collection method: clinical testing. Allele origin: germline.
Comment: This sequence change replaces valine with glycine at codon 2102 of the BRCA2 protein (p.Val2102Gly). The valine residue is moderately conserved and there is a moderate physicochemical difference between valine and glycine. This variant is not present in population databases (ExAC no frequency). This variant has not been reported in the literature in individuals with BRCA2-related conditions. Advanced modeling of protein sequence and biophysical properties (such as structural, functional, and spatial information, amino acid conservation, physicochemical variation, residue mobility, and thermodynamic stability) performed at Invitae indicates that this missense variant is not expected to disrupt BRCA2 protein function. In summary, the available evidence is currently insufficient to determine the role of this variant in disease. Therefore, it has been classified as a Variant of Uncertain Significance.